The following is an entry in ClinVar:

NM_000321.3(RB1):c.2248G>T (p.Asp750Tyr)

Gene: RB1 (RB transcriptional corepressor 1; plus strand). Cytogenetic location: 13q14.2.
Variant type: single nucleotide variant.
Coding change: c.2248G>T on transcript NM_000321.3 (MANE Select); coding-DNA position 2248, G replaced by T.
Protein change: p.Asp750Tyr; replaces aspartic acid 750 with tyrosine.
Molecular consequence: missense variant.
Genome position (GRCh38, 1-based): chr13:48,465,034, G>T. VCF-style: chr13-48465034-G-T. GRCh37 (hg19) VCF-style: chr13-49039170-G-T.
Other names: c.2248G>T, p.Asp750Tyr (NM_001407165.1); short protein forms D750Y.
Identifiers: ClinVar variation 3231214 (VCV003231214.1), dbSNP rs2542375225, ClinGen allele CA388167561.

ClinVar aggregate classification (germline): Uncertain significance (1 of 4 stars; one submission).

Conditions:
Hereditary cancer-predisposing syndrome. Also called: Neoplastic Syndromes, Hereditary; Tumor predisposition; Hereditary neoplastic syndrome; Hereditary Cancer Syndrome. Identifiers: Orphanet 140162, MedGen C0027672, MeSH D009386, MONDO:0015356.

Submission:

Ambry Genetics
Classification: Uncertain significance for Hereditary cancer-predisposing syndrome. Last evaluated: 2024-03-10. Review status: criteria provided, single submitter. Criteria: Ambry Variant Classification Scheme 2023. Collection method: clinical testing. Allele origin: germline.
Comment: The p.D750Y variant (also known as c.2248G>T), located in coding exon 22 of the RB1 gene, results from a G to T substitution at nucleotide position 2248. The aspartic acid at codon 750 is replaced by tyrosine, an amino acid with highly dissimilar properties. This amino acid position is conserved. In addition, this alteration is predicted to be deleterious by in silico analysis. Based on the available evidence, the clinical significance of this alteration remains unclear.